The following is an entry in ClinVar:

ClinVar aggregate classification (germline): Uncertain significance (1 of 4 stars; one submission).

Conditions:
Developmental and epileptic encephalopathy, 1 (DEE1). Also called: OHTAHARA SYNDROME, X-LINKED; Epileptic encephalopathy, early infantile, 1; X-linked infantile spasms; West's syndrome; Tonic spasms with clustering, arrest of psychomotor development and hypsarrhythmia on EEG; X-Linked Infantile Spasm Syndrome. Identifiers: MedGen C3463992, MONDO:0010632, OMIM 308350. Disease mechanism: loss of function.
Intellectual disability, X-linked, with or without seizures, ARX-related. Also called: Mental retardation, X-linked 52; INTELLECTUAL DEVELOPMENTAL DISORDER, X-LINKED 29; MENTAL RETARDATION, X-LINKED 29; MENTAL RETARDATION, X-LINKED 32; MENTAL RETARDATION, X-LINKED 33; MENTAL RETARDATION, X-LINKED 38. Identifiers: Orphanet 777, MedGen C0796244, MONDO:0010317, OMIM 300419.

Submission:

Labcorp Genetics (formerly Invitae), Labcorp
Classification: Uncertain significance for Developmental and epileptic encephalopathy, 1; Intellectual disability, X-linked, with or without seizures, ARX-related. Last evaluated: 2018-08-21. Review status: criteria provided, single submitter. Criteria: Invitae Variant Classification Sherloc (09022015). Collection method: clinical testing. Allele origin: germline.
Comment: This variant results in a copy number gain of the genomic region encompassing exons 1-3 of the ARX gene. The 5' end of this event is unknown as it extends beyond the assayed region for this gene and therefore may encompass additional genes. As the precise location of this event is unknown, it may be in tandem or it may be located elsewhere in the genome. A similar copy number gain has not been reported in the literature in individuals with ARX-related disease. In summary, the available evidence is currently insufficient to determine the role of this copy number gain in disease. Therefore, it has been classified as a Variant of Uncertain Significance.

NC_000023.10:g.(?_25028377)_(25033854_?)dup

Genes: ARX (aristaless related homeobox; minus strand), LOC109610631 (aristaless related homeobox polyalanine expansion region; plus strand). Cytogenetic location: Xp21.3.
Variant type: Duplication.
Identifiers: ClinVar variation 643146 (VCV000643146.7).